The following is an entry in ClinVar:

ClinVar aggregate classification (germline): Uncertain significance (1 of 4 stars; one submission).

gnomAD v4.1: 3 of 1,613,870 alleles (0.00019%); highest among the groups gnomAD compares: Admixed American, 0.0017%; no homozygotes.

Submission:

Labcorp Genetics (formerly Invitae), Labcorp
Classification: Uncertain significance. Last evaluated: 2024-04-15. Review status: criteria provided, single submitter. Criteria: Invitae Variant Classification Sherloc (09022015). Collection method: clinical testing. Allele origin: germline.
Comment: This sequence change replaces glycine, which is neutral and non-polar, with glutamic acid, which is acidic and polar, at codon 839 of the EGF protein (p.Gly839Glu). This variant is present in population databases (no rsID available, gnomAD 0.003%). This variant has not been reported in the literature in individuals affected with EGF-related conditions. Algorithms developed to predict the effect of missense changes on protein structure and function output the following: SIFT: "Not Available"; PolyPhen-2: "Benign"; Align-GVGD: "Not Available". The glutamic acid amino acid residue is found in multiple mammalian species, which suggests that this missense change does not adversely affect protein function. In summary, the available evidence is currently insufficient to determine the role of this variant in disease. Therefore, it has been classified as a Variant of Uncertain Significance.

NM_001963.6(EGF):c.2516G>A (p.Gly839Glu)

Gene: EGF (epidermal growth factor; plus strand). Cytogenetic location: 4q25.
Variant type: single nucleotide variant.
Coding change: c.2516G>A on transcript NM_001963.6 (MANE Select); coding-DNA position 2516, G replaced by A.
Protein change: p.Gly839Glu; replaces glycine 839 with glutamic acid.
Molecular consequence: missense variant. On other transcripts: intron variant (1).
Genome position (GRCh38, 1-based): chr4:109,987,768, G>A. VCF-style: chr4-109987768-G-A. GRCh37 (hg19) VCF-style: chr4-110908924-G-A.
Other names: c.2516G>A, p.Gly839Glu (NM_001178130.3); c.2390G>A, p.Gly797Glu (NM_001178131.3); c.2365+4227G>A (NM_001357021.2); short protein forms G797E, G839E.
Identifiers: ClinVar variation 3691560 (VCV003691560.2).
Genomic context (GRCh38, chr4:109,987,768, plus strand): 5'-CTAGAAATAACTGCACGGGATTCTTGCTATTTGTAGATCAAGATGACTGTGCTCCTGTGG[G>A]ATGCAGCATGTATGCTCGGTGTATTTCAGAGGGAGAGGATGCCACATGTCAGTGTTTGAA-3'
Protein context (NP_001954.2, residues 829-849): VSDQDDCAPV[Gly839Glu]CSMYARCISE